The following is an entry in ClinVar:

ClinVar aggregate classification (germline): Uncertain significance. Review status: criteria provided, multiple submitters, no conflicts (2 of 4 stars). 2 submissions from 2 submitters: Uncertain significance (2). Last evaluated 2026-09-12.

Conditions:
Cardiovascular phenotype. Identifiers: MedGen CN230736.
Hereditary hemorrhagic telangiectasia (HHT). Also called: ORW DISEASE; Osler Weber Rendu syndrome; OSLER-RENDU-WEBER DISEASE; Osler hemorrhagic telangiectasia syndrome. Identifiers: Orphanet 774, MedGen C0039445, MONDO:0019180. Disease mechanism: loss of function.

Allele frequency attached by ClinVar (database versions not stated): gnomAD 0.00001.
gnomAD v4.1: 1 of 1,614,076 alleles (0.000062%); highest among the groups gnomAD compares: African/African-American, 0.0013%; no homozygotes.

Submissions (2):

Ambry Genetics
Classification: Uncertain significance for Cardiovascular phenotype. Last evaluated: 2026-09-12. Review status: criteria provided, single submitter. Criteria: Ambry Variant Classification Scheme 2023. Collection method: clinical testing. Allele origin: germline.
Comment: The p.P555H variant (also known as c.1664C>A), located in coding exon 12 of the ENG gene, results from a C to A substitution at nucleotide position 1664. The proline at codon 555 is replaced by histidine, an amino acid with similar properties. This amino acid position is conserved. In addition, this alteration is predicted to be tolerated by in silico analysis. Based on the available evidence, the clinical significance of this variant remains unclear.

Labcorp Genetics (formerly Invitae), Labcorp
Classification: Uncertain significance for Hereditary hemorrhagic telangiectasia. Last evaluated: 2022-07-07. Review status: criteria provided, single submitter. Criteria: Invitae Variant Classification Sherloc (09022015). Collection method: clinical testing. Allele origin: germline.
Comment: This sequence change replaces proline, which is neutral and non-polar, with histidine, which is basic and polar, at codon 555 of the ENG protein (p.Pro555His). This variant is not present in population databases (gnomAD no frequency). This variant has not been reported in the literature in individuals affected with ENG-related conditions. Algorithms developed to predict the effect of missense changes on protein structure and function output the following: SIFT: "Tolerated"; PolyPhen-2: "Benign"; Align-GVGD: "Class C0". The histidine amino acid residue is found in multiple mammalian species, which suggests that this missense change does not adversely affect protein function. In summary, the available evidence is currently insufficient to determine the role of this variant in disease. Therefore, it has been classified as a Variant of Uncertain Significance.

NM_001114753.3(ENG):c.1664C>A (p.Pro555His)

Genes: ENG (endoglin; minus strand), LOC102723566 (uncharacterized LOC102723566; plus strand). Cytogenetic location: 9q34.11.
Variant type: single nucleotide variant.
Coding change: c.1664C>A on transcript NM_001114753.3 (MANE Select); coding-DNA position 1664, C replaced by A.
Protein change: p.Pro555His; replaces proline 555 with histidine.
Molecular consequence: missense variant.
Genome position (GRCh38, 1-based): chr9:127,818,142, G>T on the plus strand (C>A on the coding strand, the complement: ENG is on the minus strand). VCF-style: chr9-127818142-G-T. GRCh37 (hg19) VCF-style: chr9-130580421-G-T.
Other names: c.1664C>A, p.Pro555His (NM_000118.4); c.1118C>A, p.Pro373His (NM_001278138.2); c.1664C>A (NM_001114753.1); short protein forms P373H, P555H.
Identifiers: ClinVar variation 2170905 (VCV002170905.5), dbSNP rs1830375831, ClinGen allele CA374974056.
Genomic context (GRCh38, chr9:127,818,142, plus strand): 5'-TCCCACTTGAAGCTGGGGCCGGCCCAGGCCCCACTCACCTGGTCTTGAGACCCGGTCTTG[G>T]GACGCAGGGCTACCGTGCAGCTGAGGGTGCCGGTTTTGGGTATGGGTACTGTGTAGAAGT-3'
Protein context (NP_001108225.1, residues 545-565): GTLSCTVALR[Pro555His]KTGSQDQEVH